The following is an entry in ClinVar:

NM_001853.4(COL9A3):c.457C>T (p.Pro153Ser)

Gene: COL9A3 (collagen type IX alpha 3 chain; plus strand). Cytogenetic location: 20q13.33.
Variant type: single nucleotide variant.
Coding change: c.457C>T on transcript NM_001853.4 (MANE Select); coding-DNA position 457, C replaced by T.
Protein change: p.Pro153Ser; replaces proline 153 with serine.
Molecular consequence: missense variant.
Genome position (GRCh38, 1-based): chr20:62,822,144, C>T. VCF-style: chr20-62822144-C-T. GRCh37 (hg19) VCF-style: chr20-61453496-C-T.
Other names: short protein forms P153S.
Identifiers: ClinVar variation 2225247 (VCV002225247.4), dbSNP rs779588171, ClinGen allele CA409589359.

ClinVar aggregate classification (germline): Uncertain significance. Review status: criteria provided, multiple submitters, no conflicts (2 of 4 stars). 2 submissions from 2 submitters: Uncertain significance (2). Last evaluated 2024-07-24.

Conditions:
Inborn genetic diseases. Identifiers: MedGen C0950123, MeSH D030342.

Submissions (2):

Labcorp Genetics (formerly Invitae), Labcorp
Classification: Uncertain significance. Last evaluated: 2024-07-24. Review status: criteria provided, single submitter. Criteria: Invitae Variant Classification Sherloc (09022015). Collection method: clinical testing. Allele origin: germline.
Comment: This sequence change replaces proline, which is neutral and non-polar, with serine, which is neutral and polar, at codon 153 of the COL9A3 protein (p.Pro153Ser). This variant is not present in population databases (gnomAD no frequency). This variant has not been reported in the literature in individuals affected with COL9A3-related conditions. ClinVar contains an entry for this variant (Variation ID: 2225247). Advanced modeling of protein sequence and biophysical properties (such as structural, functional, and spatial information, amino acid conservation, physicochemical variation, residue mobility, and thermodynamic stability) performed at Invitae indicates that this missense variant is not expected to disrupt COL9A3 protein function with a negative predictive value of 95%. In summary, the available evidence is currently insufficient to determine the role of this variant in disease. Therefore, it has been classified as a Variant of Uncertain Significance.

Ambry Genetics
Classification: Uncertain significance for Inborn genetic diseases. Last evaluated: 2022-10-25. Review status: criteria provided, single submitter. Criteria: Ambry Variant Classification Scheme 2023. Collection method: clinical testing. Allele origin: germline.